The following is an entry in ClinVar:

ClinVar aggregate classification (germline): Pathogenic (1 of 4 stars; one submission).

Conditions:
Peutz-Jeghers syndrome (PJS). Also called: POLYPOSIS, HAMARTOMATOUS INTESTINAL; POLYPS-AND-SPOTS SYNDROME; Peutz-Jeghers polyposis; Periorificial lentiginosis syndrome. Identifiers: Orphanet 2869, MedGen C0031269, MeSH D010580, MONDO:0008280, OMIM 175200.

Submission:

Genomics, Clalit Research Institute, Clalit Health Care
Classification: Pathogenic for Peutz-Jeghers syndrome. Last evaluated: 2025-08-13. Review status: criteria provided, single submitter. Criteria: ACMG Guidelines, 2015. Collection method: clinical testing. Allele origin: germline. Affected: yes.
Comment: Frequency: The variant is absent from the gnomAD reference population dataset. Variant type: Null variant in a gene where LOF is a known mechanism of disease. Predicted to undergo NMD.

Literature cited by the submitters: PubMed 30888642.

NM_000455.5(STK11):c.247A>T (p.Lys83Ter)

Gene: STK11 (serine/threonine kinase 11; plus strand). Cytogenetic location: 19p13.3.
Variant type: single nucleotide variant.
Coding change: c.247A>T on transcript NM_000455.5 (MANE Select); coding-DNA position 247, A replaced by T.
Protein change: p.Lys83Ter; replaces lysine 83 with a stop codon.
Molecular consequence: nonsense. On other transcripts: non-coding transcript variant (1).
Genome position (GRCh38, 1-based): chr19:1,207,160, A>T. VCF-style: chr19-1207160-A-T. GRCh37 (hg19) VCF-style: chr19-1207159-A-T.
Other names: c.247A>T, p.Lys83Ter (NM_001407255.1); short protein forms K83*.
Identifiers: ClinVar variation 4845303 (VCV004845303.1).
Genomic context (GRCh38, chr19:1,207,160, plus strand): 5'-GTGAAGGAGGTGCTGGACTCGGAGACGCTGTGCAGGAGGGCCGTCAAGATCCTCAAGAAG[A>T]AGAAGTTGCGAAGGATCCCCAACGGGGAGGCCAACGTGAAGAAGTAAGTATGGCTTGCTG-3'